The following is an entry in ClinVar:

ClinVar aggregate classification (germline): Likely benign. Review status: criteria provided, multiple submitters, no conflicts (2 of 4 stars). 3 submissions from 3 submitters: Likely benign (2). 1 of the submissions does not count toward it. Last evaluated 2025-06-19.

Conditions:
AEBP1-related disorder. Also called: AEBP1-related condition.

gnomAD v4.1: 33 of 1,613,742 alleles (0.002%); highest among the groups gnomAD compares: Non-Finnish European, 0.0028%; no homozygotes.

Submissions (3):

Women's Health and Genetics/Laboratory Corporation of America, LabCorp
Classification: Likely benign. Last evaluated: 2025-06-19. Review status: criteria provided, single submitter. Criteria: LabCorp Variant Classification Summary - May 2015. Collection method: clinical testing. Allele origin: germline.
Comment: Variant summary: AEBP1 c.1486-8C>T alters a nucleotide located at a position not widely known to affect splicing. Consensus agreement among computation tools predict no significant impact on normal splicing. However, these predictions have yet to be confirmed by functional studies. The variant allele was found at a frequency of 1.2e-05 in 251084 control chromosomes. The available data on variant occurrences in the general population are insufficient to allow any conclusion about variant significance. To our knowledge, no occurrence of c.1486-8C>T in individuals affected with Ehlers-Danlos syndrome, classic-like, 2 and no experimental evidence demonstrating its impact on protein function have been reported. ClinVar contains an entry for this variant (Variation ID: 3007853). Based on the evidence outlined above, the variant was classified as likely benign.

Labcorp Genetics (formerly Invitae), Labcorp
Classification: Likely benign. Last evaluated: 2024-11-29. Review status: criteria provided, single submitter. Criteria: Invitae Variant Classification Sherloc (09022015). Collection method: clinical testing. Allele origin: germline.

PreventionGenetics, part of Exact Sciences
Classification: Likely benign for AEBP1-related condition. Last evaluated: 2019-03-29. Review status: no assertion criteria provided. Collection method: clinical testing. Allele origin: germline. Not counted in ClinVar's aggregate classification.
Comment: This variant is classified as likely benign based on ACMG/AMP sequence variant interpretation guidelines (Richards et al. 2015 PMID: 25741868, with internal and published modifications).

NM_001129.5(AEBP1):c.1486-8C>T

Genes: AEBP1 (AE binding protein 1; plus strand), MIR4649 (microRNA 4649; plus strand). Cytogenetic location: 7p13.
Variant type: single nucleotide variant.
Coding change: c.1486-8C>T on transcript NM_001129.5 (MANE Select); 8 bases into the intron before coding-DNA position 1486, C replaced by T.
Molecular consequence: intron variant. On other transcripts: non-coding transcript variant (1).
Genome position (GRCh38, 1-based): chr7:44,110,905, C>T. VCF-style: chr7-44110905-C-T. GRCh37 (hg19) VCF-style: chr7-44150504-C-T.
Other names: c.1486-8C>T (NM_001129.4).
Identifiers: ClinVar variation 3007853 (VCV003007853.6), dbSNP rs138524537, ClinGen allele CA4237911.